The following is an entry in ClinVar:

NM_001394062.1(MACF1):c.11578A>G (p.Thr3860Ala)

Gene: MACF1 (microtubule actin crosslinking factor 1; plus strand). Cytogenetic location: 1p34.3.
Variant type: single nucleotide variant.
Coding change: c.11578A>G on transcript NM_001394062.1 (MANE Select); coding-DNA position 11578, A replaced by G.
Protein change: p.Thr3860Ala; replaces threonine 3860 with alanine.
Molecular consequence: missense variant.
Genome position (GRCh38, 1-based): chr1:39,357,528, A>G. VCF-style: chr1-39357528-A-G. GRCh37 (hg19) VCF-style: chr1-39823200-A-G.
Other names: c.5392A>G, p.Thr1798Ala (NM_012090.5); short protein forms T1798A, T3860A.
Identifiers: ClinVar variation 4795571 (VCV004795571.1).

ClinVar aggregate classification (germline): Uncertain significance (1 of 4 stars; one submission).

Submission:

GeneDx
Classification: Uncertain significance. Last evaluated: 2025-08-11. Review status: criteria provided, single submitter. Criteria: GeneDx Variant Classification Process June 2021. Collection method: clinical testing. Allele origin: germline. Affected: yes.
Comment: Not observed at significant frequency in large population cohorts (gnomAD); In silico analysis suggests that this missense variant does not alter protein structure/function; Has not been previously published as pathogenic or benign to our knowledge